The following is an entry in ClinVar:

ClinVar aggregate classification (germline): Uncertain significance. Review status: criteria provided, multiple submitters, no conflicts (2 of 4 stars). 3 submissions from 3 submitters: Uncertain significance (3). Last evaluated 2026-04-14.

Conditions:
Inborn genetic diseases. Identifiers: MedGen C0950123, MeSH D030342.

Submissions (3):

Women's Health and Genetics/Laboratory Corporation of America, LabCorp
Classification: Uncertain significance. Last evaluated: 2026-04-14. Review status: criteria provided, single submitter. Criteria: LabCorp Variant Classification Summary - May 2015. Collection method: clinical testing. Allele origin: germline.

Ambry Genetics
Classification: Uncertain significance for Inborn genetic diseases. Last evaluated: 2026-01-05. Review status: criteria provided, single submitter. Criteria: Ambry Variant Classification Scheme 2023. Collection method: clinical testing. Allele origin: germline.

Labcorp Genetics (formerly Invitae), Labcorp
Classification: Uncertain significance. Last evaluated: 2024-04-02. Review status: criteria provided, single submitter. Criteria: Invitae Variant Classification Sherloc (09022015). Collection method: clinical testing. Allele origin: germline.
Comment: This sequence change replaces glycine, which is neutral and non-polar, with serine, which is neutral and polar, at codon 477 of the COL7A1 protein (p.Gly477Ser). This variant is present in population databases (rs753878104, gnomAD 0.0009%). This variant has not been reported in the literature in individuals affected with COL7A1-related conditions. Advanced modeling of protein sequence and biophysical properties (such as structural, functional, and spatial information, amino acid conservation, physicochemical variation, residue mobility, and thermodynamic stability) performed at Invitae indicates that this missense variant is not expected to disrupt COL7A1 protein function with a negative predictive value of 95%. In summary, the available evidence is currently insufficient to determine the role of this variant in disease. Therefore, it has been classified as a Variant of Uncertain Significance.

NM_000094.4(COL7A1):c.1429G>A (p.Gly477Ser)

Gene: COL7A1 (collagen type VII alpha 1 chain; minus strand). Cytogenetic location: 3p21.31.
Variant type: single nucleotide variant.
Coding change: c.1429G>A on transcript NM_000094.4 (MANE Select); coding-DNA position 1429, G replaced by A.
Protein change: p.Gly477Ser; replaces glycine 477 with serine.
Molecular consequence: missense variant.
Genome position (GRCh38, 1-based): chr3:48,591,751, C>T on the plus strand (G>A on the coding strand, the complement: COL7A1 is on the minus strand). VCF-style: chr3-48591751-C-T. GRCh37 (hg19) VCF-style: chr3-48629184-C-T.
Other names: short protein forms G477S.
Identifiers: ClinVar variation 3722708 (VCV003722708.4).